The following is an entry in ClinVar:

NM_000064.4(C3):c.4684A>C (p.Ile1562Leu)

Gene: C3 (complement C3; minus strand). Cytogenetic location: 19p13.3.
Variant type: single nucleotide variant.
Coding change: c.4684A>C on transcript NM_000064.4 (MANE Select); coding-DNA position 4684, A replaced by C.
Protein change: p.Ile1562Leu; replaces isoleucine 1562 with leucine.
Molecular consequence: missense variant.
Genome position (GRCh38, 1-based): chr19:6,678,402, T>G on the plus strand (A>C on the coding strand, the complement: C3 is on the minus strand). VCF-style: chr19-6678402-T-G. GRCh37 (hg19) VCF-style: chr19-6678413-T-G.
Other names: short protein forms I1562L.
Identifiers: ClinVar variation 4750692 (VCV004750692.1).

ClinVar aggregate classification (germline): Uncertain significance (1 of 4 stars; one submission).

gnomAD v4.1: 4 of 1,614,154 alleles (0.00025%); highest among the groups gnomAD compares: Middle Eastern, 0.016%; no homozygotes.

Submission:

Labcorp Genetics (formerly Invitae), Labcorp
Classification: Uncertain significance. Last evaluated: 2025-04-14. Review status: criteria provided, single submitter. Criteria: Invitae Variant Classification Sherloc (09022015). Collection method: clinical testing. Allele origin: germline.
Comment: This sequence change replaces isoleucine, which is neutral and non-polar, with leucine, which is neutral and non-polar, at codon 1562 of the C3 protein (p.Ile1562Leu). This variant is not present in population databases (gnomAD no frequency). This variant has not been reported in the literature in individuals affected with C3-related conditions. Invitae Evidence Modeling of protein sequence and biophysical properties (such as structural, functional, and spatial information, amino acid conservation, physicochemical variation, residue mobility, and thermodynamic stability) indicates that this missense variant is not expected to disrupt C3 protein function with a negative predictive value of 80%. In summary, the available evidence is currently insufficient to determine the role of this variant in disease. Therefore, it has been classified as a Variant of Uncertain Significance.